The following is an entry in ClinVar:

ClinVar aggregate classification (germline): Likely pathogenic (1 of 4 stars; one submission).

Conditions:
Leber congenital amaurosis 9 (LCA9). Also called: LCA9 Leber Congenital Amaurosis; LCA 9; Amaurosis congenita of Leber, type 9. Identifiers: Orphanet 65, MedGen C1837873, MONDO:0012056, OMIM 608553.

Allele frequency attached by ClinVar (database versions not stated): TOPMed below 0.00001; ExAC 0.00001.

Submission:

Labcorp Genetics (formerly Invitae), Labcorp
Classification: Likely pathogenic for Leber congenital amaurosis 9. Last evaluated: 2022-09-26. Review status: criteria provided, single submitter. Criteria: Invitae Variant Classification Sherloc (09022015). Collection method: clinical testing. Allele origin: germline.
Comment: This sequence change affects a donor splice site in intron 2 of the NMNAT1 gene. It is expected to disrupt RNA splicing. Variants that disrupt the donor or acceptor splice site typically lead to a loss of protein function (PMID: 16199547), and loss-of-function variants in NMNAT1 are known to be pathogenic (PMID: 22842229). This variant is present in population databases (rs779434083, gnomAD 0.003%). This variant has not been reported in the literature in individuals affected with NMNAT1-related conditions. Algorithms developed to predict the effect of sequence changes on RNA splicing suggest that this variant may disrupt the consensus splice site. In summary, the currently available evidence indicates that the variant is pathogenic, but additional data are needed to prove that conclusively. Therefore, this variant has been classified as Likely Pathogenic.

Literature cited by the submitters: PubMed 16199547; PubMed 22842229.

NM_022787.4(NMNAT1):c.115+1G>C

Gene: NMNAT1 (nicotinamide nucleotide adenylyltransferase 1; plus strand). Cytogenetic location: 1p36.22.
Variant type: single nucleotide variant.
Coding change: c.115+1G>C on transcript NM_022787.4 (MANE Select); the canonical splice donor site of the intron after coding-DNA position 115, G replaced by C.
Molecular consequence: splice donor variant.
Genome position (GRCh38, 1-based): chr1:9,972,189, G>C. VCF-style: chr1-9972189-G-C. GRCh37 (hg19) VCF-style: chr1-10032247-G-C.
Other names: c.115+1G>C (NM_001297778.1, NM_001297779.2).
Identifiers: ClinVar variation 2199575 (VCV002199575.4), dbSNP rs779434083, ClinGen allele CA579132.